The following is an entry in ClinVar:

NM_001083962.2(TCF4):c.1288A>G (p.Met430Val)

Gene: TCF4 (transcription factor 4; minus strand). Cytogenetic location: 18q21.2.
Variant type: single nucleotide variant.
Coding change: c.1288A>G on transcript NM_001083962.2 (MANE Select); coding-DNA position 1288, A replaced by G.
Protein change: p.Met430Val; replaces methionine 430 with valine.
Molecular consequence: missense variant.
Genome position (GRCh38, 1-based): chr18:55,254,559, T>C on the plus strand (A>G on the coding strand, the complement: TCF4 is on the minus strand). VCF-style: chr18-55254559-T-C. GRCh37 (hg19) VCF-style: chr18-52921790-T-C.
Other names: c.1594A>G, p.Met532Val (NM_001243226.3); c.1216A>G, p.Met406Val (NM_001243227.2, NM_001306207.1, NM_001348217.1 and 5 more transcripts); c.1306A>G, p.Met436Val (NM_001243228.2); c.1279A>G, p.Met427Val (NM_001243230.2); c.1162A>G, p.Met388Val (NM_001243231.2, NM_001348211.2); c.1075A>G, p.Met359Val (NM_001243232.1, NM_001306208.1); c.898A>G, p.Met300Val (NM_001243233.2, NM_001330605.3, NM_001348212.2 and 1 more transcripts); c.808A>G, p.Met270Val (NM_001243234.2, NM_001243235.2, NM_001243236.2 and 1 more transcripts); and 6 more; short protein forms M269V, M300V, M405V, M407V, M427V, M532V, M406V, M429V.
Identifiers: ClinVar variation 2077451 (VCV002077451.4), dbSNP rs2512109844, ClinGen allele CA402533382.

ClinVar aggregate classification (germline): Uncertain significance (1 of 4 stars; one submission).

Conditions:
Pitt-Hopkins syndrome (PTHS). Also called: ENCEPHALOPATHY, SEVERE EPILEPTIC, WITH AUTONOMIC DYSFUNCTION; MENTAL RETARDATION, SYNDROMAL, WITH INTERMITTENT HYPERVENTILATION. Identifiers: Orphanet 2896, MedGen C1970431, MONDO:0012589, OMIM 610954.

gnomAD v4.1: 1 of 1,613,816 alleles (0.000062%); highest among the groups gnomAD compares: Non-Finnish European, 0.000085%; no homozygotes.

Submission:

Labcorp Genetics (formerly Invitae), Labcorp
Classification: Uncertain significance for Pitt-Hopkins syndrome. Last evaluated: 2024-10-22. Review status: criteria provided, single submitter. Criteria: Invitae Variant Classification Sherloc (09022015). Collection method: clinical testing. Allele origin: germline.
Comment: This sequence change replaces methionine, which is neutral and non-polar, with valine, which is neutral and non-polar, at codon 430 of the TCF4 protein (p.Met430Val). This variant is not present in population databases (gnomAD no frequency). This variant has not been reported in the literature in individuals affected with TCF4-related conditions. ClinVar contains an entry for this variant (Variation ID: 2077451). Invitae Evidence Modeling of protein sequence and biophysical properties (such as structural, functional, and spatial information, amino acid conservation, physicochemical variation, residue mobility, and thermodynamic stability) indicates that this missense variant is not expected to disrupt TCF4 protein function with a negative predictive value of 95%. In summary, the available evidence is currently insufficient to determine the role of this variant in disease. Therefore, it has been classified as a Variant of Uncertain Significance.